The following is an entry in ClinVar:

NM_005876.5(SPEG):c.5179G>A (p.Val1727Met)

Gene: SPEG (striated muscle enriched protein kinase; plus strand). Cytogenetic location: 2q35.
Variant type: single nucleotide variant.
Coding change: c.5179G>A on transcript NM_005876.5 (MANE Select); coding-DNA position 5179, G replaced by A.
Protein change: p.Val1727Met; replaces valine 1727 with methionine.
Molecular consequence: missense variant.
Genome position (GRCh38, 1-based): chr2:219,479,977, G>A. VCF-style: chr2-219479977-G-A. GRCh37 (hg19) VCF-style: chr2-220344699-G-A.
Other names: short protein forms V1727M.
Identifiers: ClinVar variation 1483162 (VCV001483162.7), dbSNP rs1488588757, ClinGen allele CA350688263.

ClinVar aggregate classification (germline): Uncertain significance (1 of 4 stars; one submission).

Allele frequency attached by ClinVar (database versions not stated): gnomAD exomes below 0.00001 and 0.00002; gnomAD 0.00001.
gnomAD v4.1: 25 of 1,614,112 alleles (0.0015%); highest among the groups gnomAD compares: Non-Finnish European, 0.0021%; no homozygotes.

Submission:

Labcorp Genetics (formerly Invitae), Labcorp
Classification: Uncertain significance. Last evaluated: 2024-01-16. Review status: criteria provided, single submitter. Criteria: Invitae Variant Classification Sherloc (09022015). Collection method: clinical testing. Allele origin: germline.
Comment: This sequence change replaces valine, which is neutral and non-polar, with methionine, which is neutral and non-polar, at codon 1727 of the SPEG protein (p.Val1727Met). This variant is present in population databases (no rsID available, gnomAD 0.0009%). This variant has not been reported in the literature in individuals affected with SPEG-related conditions. ClinVar contains an entry for this variant (Variation ID: 1483162). An algorithm developed to predict the effect of missense changes on protein structure and function (PolyPhen-2) suggests that this variant¬†is likely to be tolerated. In summary, the available evidence is currently insufficient to determine the role of this variant in disease. Therefore, it has been classified as a Variant of Uncertain Significance.